The following is an entry in ClinVar:

ClinVar aggregate classification (germline): Uncertain significance. Review status: criteria provided, multiple submitters, no conflicts (2 of 4 stars). 2 submissions from 2 submitters: Uncertain significance (2). Last evaluated 2022-07-11.

Conditions:
Chédiak-Higashi syndrome (CHS). Also called: Chediak-Higashi Syndrome. Identifiers: Orphanet 167, MedGen C0007965, MONDO:0008963, OMIM 214500.

Allele frequency attached by ClinVar (database versions not stated): gnomAD exomes below 0.00001; ExAC 0.00002; TOPMed 0.00002; gnomAD 0.00005; ESP Exome Variant Server 0.00008.

Submissions (2):

Labcorp Genetics (formerly Invitae), Labcorp
Classification: Uncertain significance for Chédiak-Higashi syndrome. Last evaluated: 2022-07-11. Review status: criteria provided, single submitter. Criteria: Invitae Variant Classification Sherloc (09022015). Collection method: clinical testing. Allele origin: germline.
Comment: In summary, the available evidence is currently insufficient to determine the role of this variant in disease. Therefore, it has been classified as a Variant of Uncertain Significance. Algorithms developed to predict the effect of missense changes on protein structure and function (SIFT, PolyPhen-2, Align-GVGD) all suggest that this variant is likely to be tolerated. ClinVar contains an entry for this variant (Variation ID: 1385109). This variant has not been reported in the literature in individuals affected with LYST-related conditions. This variant is present in population databases (rs140126059, gnomAD 0.01%). This sequence change replaces methionine, which is neutral and non-polar, with isoleucine, which is neutral and non-polar, at codon 1572 of the LYST protein (p.Met1572Ile).

Blueprint Genetics
Classification: Uncertain significance. Last evaluated: 2021-12-01. Review status: criteria provided, single submitter. Criteria: ACMG Guidelines, 2015. Collection method: clinical testing. Allele origin: germline.

NM_000081.4(LYST):c.4716G>A (p.Met1572Ile)

Gene: LYST (lysosomal trafficking regulator; minus strand). Cytogenetic location: 1q42.3.
Variant type: single nucleotide variant.
Coding change: c.4716G>A on transcript NM_000081.4 (MANE Select); coding-DNA position 4716, G replaced by A.
Protein change: p.Met1572Ile; replaces methionine 1572 with isoleucine.
Molecular consequence: missense variant.
Genome position (GRCh38, 1-based): chr1:235,787,346, C>T on the plus strand (G>A on the coding strand, the complement: LYST is on the minus strand). VCF-style: chr1-235787346-C-T. GRCh37 (hg19) VCF-style: chr1-235950646-C-T.
Other names: c.4716G>A, p.Met1572Ile (NM_001301365.1); short protein forms M1572I.
Identifiers: ClinVar variation 1385109 (VCV001385109.4), dbSNP rs140126059, ClinGen allele CA1466766.